The following is an entry in ClinVar:

NM_145207.3(AFG2A):c.2084del (p.Pro695fs)

Gene: AFG2A (AAA ATPase AFG2A; plus strand). Cytogenetic location: 4q28.1.
Variant type: Deletion.
Coding change: c.2084del on transcript NM_145207.3 (MANE Select); coding-DNA position 2084, one base deleted (C; older notation c.2084delC).
Protein change: p.Pro695fs; shifts the reading frame from proline 695.
Molecular consequence: frameshift variant.
Genome position (GRCh38, 1-based): chr4:123,056,391, C deleted; the last of 2 consecutive C bases (chr4:123,056,390-123,056,391); deleting either gives the same sequence. VCF-style (leftmost placement, unchanged base first): chr4-123056389-GC-G. GRCh37 (hg19) VCF-style: chr4-123977544-GC-G.
Other names: c.2081del, p.Pro694fs (NM_001345856.2); short protein forms P694fs, P695fs.
Identifiers: ClinVar variation 1438535 (VCV001438535.5), dbSNP rs2125965261, ClinGen allele CA2573138068.

ClinVar aggregate classification (germline): Pathogenic (1 of 4 stars; one submission).

Conditions:
Microcephaly-intellectual disability-sensorineural hearing loss-epilepsy-abnormal muscle tone syndrome (NEDHSB). Also called: NEURODEVELOPMENTAL DISORDER WITH HEARING LOSS, SEIZURES, AND BRAIN ABNORMALITIES. Identifiers: Orphanet 457351, MedGen C4225276, MONDO:0014698, OMIM 616577.

Submission:

Labcorp Genetics (formerly Invitae), Labcorp
Classification: Pathogenic for Microcephaly-intellectual disability-sensorineural hearing loss-epilepsy-abnormal muscle tone syndrome. Last evaluated: 2021-06-13. Review status: criteria provided, single submitter. Criteria: Invitae Variant Classification Sherloc (09022015). Collection method: clinical testing. Allele origin: germline.
Comment: This sequence change creates a premature translational stop signal (p.Pro695Leufs*3) in the SPATA5 gene. It is expected to result in an absent or disrupted protein product. Loss-of-function variants in SPATA5 are known to be pathogenic (PMID: 26299366). This variant is not present in population databases (ExAC no frequency). This variant has not been reported in the literature in individuals with SPATA5-related conditions. For these reasons, this variant has been classified as Pathogenic.

Literature cited by the submitters: PubMed 26299366.